The following is an entry in ClinVar:

NM_001267550.2(TTN):c.35265dup (p.Pro11756fs)

Gene: TTN (titin; minus strand). Cytogenetic location: 2q31.2.
Variant type: Duplication.
Coding change: c.35265dup on transcript NM_001267550.2 (MANE Select); coding-DNA position 35265, one base duplicated (A; older notation c.35265dupA).
Protein change: p.Pro11756fs; shifts the reading frame from proline 11756.
Molecular consequence: frameshift variant. On other transcripts: intron variant (3).
Genome position (GRCh38, 1-based): chr2:178,671,133, T duplicated on the plus strand (A on the coding strand, the reverse complement: TTN is on the minus strand); the first of 7 consecutive T bases (chr2:178,671,133-178,671,139); duplicating any one gives the same sequence. VCF-style (leftmost placement, unchanged base first): chr2-178671132-G-GT. GRCh37 (hg19) VCF-style: chr2-179535859-G-GT.
Other names: c.34143dup, p.Pro11382fs (NM_001256850.1); c.31362dup, p.Pro10455fs (NM_133378.4); c.13283-28822dup (NM_003319.4); c.13859-28822dup (NM_133437.4); c.13658-28822dup (NM_133432.3); c.35265dupA (NM_001267550.2); short protein forms P11382fs, P10455fs, P11756fs.
Identifiers: ClinVar variation 523429 (VCV000523429.8), dbSNP rs1198364572, ClinGen allele CA538094088.
Genomic context (GRCh38, chr2:178,671,132, plus strand): 5'-TTTTCACAAAGAAGATACCTTTAGCTGGTGGCTCTTTTCGAGGAACAACTTTAGTGGGCG[G>GT]TTTTTTTGGAGGGATGATTTTCTCAGATATCTCAGGCCCTTCAAAGATATTAGTATTTTG-3'

ClinVar aggregate classification (germline): Likely pathogenic. Review status: criteria provided, multiple submitters, no conflicts (2 of 4 stars). 2 submissions from 2 submitters: Likely pathogenic (2). Last evaluated 2024-02-23.

Conditions:
Autosomal recessive limb-girdle muscular dystrophy type 2J (LGMDR10). Also called: Limb-girdle muscular dystrophy, type 2J; MUSCULAR DYSTROPHY, LIMB-GIRDLE, AUTOSOMAL RECESSIVE 10. Identifiers: Orphanet 140922, MedGen C1837342, MONDO:0012127, OMIM 608807.
Dilated cardiomyopathy 1G (CMD1G). Identifiers: Orphanet 154, MedGen C1858763, MONDO:0011400, OMIM 604145.
Myopathy. Identifiers: MedGen C0026848, MeSH D009135, MONDO:0005336, HP:0003198.

Submissions (2):

Labcorp Genetics (formerly Invitae), Labcorp
Classification: Likely pathogenic for Dilated cardiomyopathy 1G; Autosomal recessive limb-girdle muscular dystrophy type 2J. Last evaluated: 2024-02-23. Review status: criteria provided, single submitter. Criteria: Invitae Variant Classification Sherloc (09022015). Collection method: clinical testing. Allele origin: germline.
Comment: This sequence change creates a premature translational stop signal (p.Pro11756Thrfs*4) in the TTN gene. While this is not anticipated to result in nonsense mediated decay, it is expected to create a truncated TTN protein. The frequency data for this variant in the population databases is considered unreliable, as metrics indicate poor data quality at this position in the gnomAD database. This variant has not been reported in the literature in individuals affected with TTN-related conditions. ClinVar contains an entry for this variant (Variation ID: 523429). Algorithms developed to predict the effect of sequence changes on RNA splicing suggest that this variant may disrupt the consensus splice site. This variant is located in the I band of TTN (PMID: 25589632). Truncating variants in this region have been reported in individuals affected with autosomal recessive centronuclear myopathy (PMID: 23975875, Invitae internal data). Truncating variants in this region have also been identified in individuals affected with autosomal dominant dilated cardiomyopathy and/or cardio-related conditions (PMID: 27869827, 32964742, Invitae internal data). In summary, the currently available evidence indicates that the variant is pathogenic, but additional data are needed to prove that conclusively. Therefore, this variant has been classified as Likely Pathogenic.

Centre for Mendelian Genomics, University Medical Centre Ljubljana
Classification: Likely pathogenic for Myopathy. Last evaluated: 2017-01-01. Review status: criteria provided, single submitter. Criteria: ACMG Guidelines, 2015. Collection method: clinical testing. Allele origin: unknown. Affected: yes.

Literature cited by the submitters: PubMed 25589632 (cited by Labcorp Genetics (formerly Invitae), Labcorp); PubMed 23975875 (cited by Labcorp Genetics (formerly Invitae), Labcorp); PubMed 27869827 (cited by Labcorp Genetics (formerly Invitae), Labcorp); PubMed 32964742 (cited by Labcorp Genetics (formerly Invitae), Labcorp).